The following is an entry in ClinVar:

ClinVar aggregate classification (germline): Uncertain significance (1 of 4 stars; one submission).

Conditions:
Dilated cardiomyopathy 1O (CMD1O). Also called: CARDIOMYOPATHY, DILATED, WITH VENTRICULAR TACHYCARDIA. Identifiers: Orphanet 154, MedGen C1837839, MONDO:0012062, OMIM 608569.

Allele frequency attached by ClinVar (database versions not stated): ExAC 0.00001.

Submission:

Labcorp Genetics (formerly Invitae), Labcorp
Classification: Uncertain significance for Dilated cardiomyopathy 1O. Last evaluated: 2022-02-18. Review status: criteria provided, single submitter. Criteria: Invitae Variant Classification Sherloc (09022015). Collection method: clinical testing. Allele origin: germline.
Comment: In summary, the available evidence is currently insufficient to determine the role of this variant in disease. Therefore, it has been classified as a Variant of Uncertain Significance. Algorithms developed to predict the effect of missense changes on protein structure and function (SIFT, PolyPhen-2, Align-GVGD) all suggest that this variant is likely to be tolerated. This variant has not been reported in the literature in individuals affected with ABCC9-related conditions. This variant is present in population databases (rs779664751, gnomAD 0.006%). This sequence change replaces asparagine, which is neutral and polar, with aspartic acid, which is acidic and polar, at codon 30 of the ABCC9 protein (p.Asn30Asp).

NM_020297.4(ABCC9):c.88A>G (p.Asn30Asp)

Gene: ABCC9 (ATP binding cassette subfamily C member 9; minus strand). Cytogenetic location: 12p12.1.
Variant type: single nucleotide variant.
Coding change: c.88A>G on transcript NM_020297.4 (MANE Select); coding-DNA position 88, A replaced by G.
Protein change: p.Asn30Asp; replaces asparagine 30 with aspartic acid.
Molecular consequence: missense variant. On other transcripts: 5 prime UTR variant (1).
Genome position (GRCh38, 1-based): chr12:21,936,587, T>C on the plus strand (A>G on the coding strand, the complement: ABCC9 is on the minus strand). VCF-style: chr12-21936587-T-C. GRCh37 (hg19) VCF-style: chr12-22089521-T-C.
Other names: c.88A>G, p.Asn30Asp (NM_001377273.1, NM_005691.4); c.-367A>G (NM_001377274.1); short protein forms N30D.
Identifiers: ClinVar variation 2157733 (VCV002157733.4), dbSNP rs779664751, ClinGen allele CA6481956.